The following is an entry in ClinVar:

ClinVar aggregate classification (germline): Pathogenic (1 of 4 stars; one submission).

Conditions:
Familial cancer of breast. Also called: Hereditary breast cancer; BREAST CANCER, FAMILIAL; hereditary breast carcinoma. Identifiers: Orphanet 227535, MedGen C0346153, MONDO:0016419, OMIM 114480. Disease mechanism: loss of function.

Submission:

Myriad Genetics, Inc.
Classification: Pathogenic for Familial cancer of breast. Last evaluated: 2023-09-13. Review status: criteria provided, single submitter. Criteria: Myriad Autosomal Dominant, Autosomal Recessive and X-Linked Classification Criteria (2023). Collection method: clinical testing. Allele origin: unknown.
Comment: This variant is considered pathogenic. This variant creates a frameshift predicted to result in premature protein truncation.

NM_024675.4(PALB2):c.2579del (p.Glu860fs)

Gene: PALB2 (partner and localizer of BRCA2; minus strand). Cytogenetic location: 16p12.2.
Variant type: Deletion.
Coding change: c.2579del on transcript NM_024675.4 (MANE Select); coding-DNA position 2579, one base deleted (A; older notation c.2579delA).
Protein change: p.Glu860fs; shifts the reading frame from glutamic acid 860.
Molecular consequence: frameshift variant. On other transcripts: intron variant (1).
Genome position (GRCh38, 1-based): chr16:23,629,211, T deleted on the plus strand (A on the coding strand, the reverse complement: PALB2 is on the minus strand). VCF-style (leftmost placement, unchanged base first): chr16-23629210-CT-C. GRCh37 (hg19) VCF-style: chr16-23640531-CT-C.
Other names: c.2519del, p.Glu840fs (NM_001407296.1); c.2579del, p.Glu860fs (NM_001407298.1, NM_001407299.1, NM_001407300.1 and 2 more transcripts); c.1694del, p.Glu565fs (NM_001407304.1, NM_001407305.1, NM_001407306.1 and 5 more transcripts); c.791del, p.Glu264fs (NM_001407312.1, NM_001407313.1); c.113del, p.Glu38fs (NM_001407314.1); c.2514+429del (NM_001407297.1); short protein forms E264fs, E38fs, E565fs, E840fs, E860fs.
Identifiers: ClinVar variation 2674094 (VCV002674094.1), dbSNP rs2506395620, ClinGen allele CA2695197450.